The following is an entry in ClinVar:

NC_000009.11:g.(?_136287564)_(136291485_?)del

Gene: ADAMTS13 (ADAM metallopeptidase with thrombospondin type 1 motif 13; plus strand). Cytogenetic location: 9q34.2.
Variant type: Deletion.
Identifiers: ClinVar variation 2427273 (VCV002427273.4).

ClinVar aggregate classification (germline): Pathogenic (1 of 4 stars; one submission).

Submission:

Labcorp Genetics (formerly Invitae), Labcorp
Classification: Pathogenic. Last evaluated: 2022-09-05. Review status: criteria provided, single submitter. Criteria: Invitae Variant Classification Sherloc (09022015). Collection method: clinical testing. Allele origin: germline.
Comment: For these reasons, this variant has been classified as Pathogenic. This variant has not been reported in the literature in individuals affected with ADAMTS13-related conditions. This variant is a gross deletion of the genomic region encompassing exon(s) 1-6 of the ADAMTS13 gene, which includes the initiator codon. This deletion extends beyond the assayed region for this gene and therefore may encompass additional genes. It is expected to result in an absent or disrupted protein product. Loss-of-function variants in ADAMTS13 are known to be pathogenic (PMID: 11586351, 12753286, 21781265).

Literature cited by the submitters: PubMed 11586351; PubMed 12753286; PubMed 21781265.